The following is an entry in ClinVar:

NM_001292063.2(OTOG):c.94G>A (p.Ala32Thr)

Gene: OTOG (otogelin; plus strand). Cytogenetic location: 11p15.1.
Variant type: single nucleotide variant.
Coding change: c.94G>A on transcript NM_001292063.2 (MANE Select); coding-DNA position 94, G replaced by A.
Protein change: p.Ala32Thr; replaces alanine 32 with threonine.
Molecular consequence: missense variant.
Genome position (GRCh38, 1-based): chr11:17,547,466, G>A. VCF-style: chr11-17547466-G-A. GRCh37 (hg19) VCF-style: chr11-17569013-G-A.
Other names: c.94G>A, p.Gly32Ser (NM_001277269.2); c.94G>A (NM_001277269.1); short protein forms G32S, A32T.
Identifiers: ClinVar variation 501008 (VCV000501008.6), dbSNP rs565203765, ClinGen allele CA218483506.
Genomic context (GRCh38, chr11:17,547,466, plus strand): 5'-CTTTGTGTCTGGCTGCCCTGGGGTGAGCAGGCAGCCGAGTCCCTGCGGGTGCAGCGCCTC[G>A]GTGAGAGGGTTGTGGACTCAGGGAGGTCGGGGGCTCGAGGAATGAGAAACGTTAAAGGAA-3'
Protein context (NP_001278992.1, residues 22-42): AAESLRVQRL[Ala32Thr]AAPVLWGSAE

ClinVar aggregate classification (germline): Uncertain significance. Review status: criteria provided, multiple submitters, no conflicts (2 of 4 stars). 2 submissions from 2 submitters: Uncertain significance (2). Last evaluated 2024-09-05.

Allele frequency attached by ClinVar (database versions not stated): gnomAD 0.00001; 1000 Genomes Project 0.00020; 1000 Genomes Project 30x 0.00031; TOPMed below 0.00001.

Submissions (2):

GeneDx
Classification: Uncertain significance. Last evaluated: 2024-09-05. Review status: criteria provided, single submitter. Criteria: GeneDx Variant Classification Process June 2021. Collection method: clinical testing. Allele origin: germline. Affected: yes.
Comment: Not observed at significant frequency in large population cohorts (gnomAD); In silico analysis indicates that this missense variant does not alter protein structure/function; Has not been previously published as pathogenic or benign to our knowledge

Eurofins Ntd Llc (ga)
Classification: Uncertain significance. Last evaluated: 2017-03-27. Review status: criteria provided, single submitter. Criteria: EGL Classification Definitions 2015. Collection method: clinical testing. Allele origin: germline. Observed: 1 variant allele, 1 heterozygote.